The following is an entry in ClinVar:

NC_000009.11:g.(?_26925803)_(26947043_?)dup

Genes: IFT74 (intraflagellar transport 74; plus strand), PLAA (phospholipase A2 activating protein; minus strand). Cytogenetic location: 9p21.2.
Variant type: Duplication.
Identifiers: ClinVar variation 1469565 (VCV001469565.4).

ClinVar aggregate classification (germline): Uncertain significance (1 of 4 stars; one submission).

Submission:

Labcorp Genetics (formerly Invitae), Labcorp
Classification: Uncertain significance. Last evaluated: 2021-07-15. Review status: criteria provided, single submitter. Criteria: Invitae Variant Classification Sherloc (09022015). Collection method: clinical testing. Allele origin: germline.
Comment: In summary, the available evidence is currently insufficient to determine the role of this variant in disease. Therefore, it has been classified as a Variant of Uncertain Significance. This variant has not been reported in the literature in individuals affected with PLAA-related conditions. This variant results in a copy number gain of the genomic region encompassing exon(s) 1-6 of the PLAA gene. This region includes the initiator codon of the gene. The 5' end of this event is unknown as it extends beyond the assayed region for this gene and therefore may encompass additional genes. The 3' boundary is likely confined to intron 6 of the PLAA gene. As the precise location of this event is unknown, it may be in tandem or it may be located elsewhere in the genome.